The following is an entry in ClinVar:

ClinVar aggregate classification (germline): Uncertain significance (1 of 4 stars; one submission).

gnomAD v4.1: 6 of 1,614,022 alleles (0.00037%); highest among the groups gnomAD compares: African/African-American, 0.0013%; no homozygotes.

Submission:

Ambry Genetics
Classification: Uncertain significance. Last evaluated: 2024-12-20. Review status: criteria provided, single submitter. Criteria: Ambry Variant Classification Scheme 2023. Collection method: clinical testing. Allele origin: germline.
Comment: The p.M580V variant (also known as c.1738A>G), located in coding exon 18 of the SRP72 gene, results from an A to G substitution at nucleotide position 1738. The methionine at codon 580 is replaced by valine, an amino acid with highly similar properties. This amino acid position is conserved. In addition, the in silico prediction for this alteration is inconclusive. Based on the available evidence, the clinical significance of this variant remains unclear.

NM_006947.4(SRP72):c.1738A>G (p.Met580Val)

Gene: SRP72 (signal recognition particle 72; plus strand). Cytogenetic location: 4q12.
Variant type: single nucleotide variant.
Coding change: c.1738A>G on transcript NM_006947.4 (MANE Select); coding-DNA position 1738, A replaced by G.
Protein change: p.Met580Val; replaces methionine 580 with valine.
Molecular consequence: missense variant. On other transcripts: non-coding transcript variant (1).
Genome position (GRCh38, 1-based): chr4:56,500,595, A>G. VCF-style: chr4-56500595-A-G. GRCh37 (hg19) VCF-style: chr4-57366761-A-G.
Other names: c.1555A>G, p.Met519Val (NM_001267722.2); short protein forms M519V, M580V.
Identifiers: ClinVar variation 3801410 (VCV003801410.1).